The following is an entry in ClinVar:

ClinVar aggregate classification (germline): Benign (3 of 4 stars; one submission).

Conditions:
Breast-ovarian cancer, familial, susceptibility to, 1 (BROVCA1). Also called: BRCA1 Hereditary Breast and Ovarian Cancer; OVARIAN CANCER, SUSCEPTIBILITY TO. Identifiers: Orphanet 145, MedGen C2676676, MONDO:0011450, OMIM 604370. Disease mechanism: loss of function.

Allele frequency attached by ClinVar (database versions not stated): 1000 Genomes Project 0.00379; 1000 Genomes Project 30x 0.00390; TOPMed 0.01164; gnomAD 0.01287 and 0.01374.
gnomAD v4.1: 2,017 of 151,660 alleles (1.3%); highest among the groups gnomAD compares: Middle Eastern, 2.4%; 20 homozygotes.

Submission:

Evidence-based Network for the Interpretation of Germline Mutant Alleles (ENIGMA)
Classification: Benign for Breast-ovarian cancer, familial 1. Last evaluated: 2015-01-12. Review status: reviewed by expert panel. Criteria: ENIGMA BRCA1/2 Classification Criteria (2015). Collection method: curation. Allele origin: germline.
Comment: Class 1 not pathogenic based on frequency >1% in an outbred sampleset. Frequency 0.01187 (European), derived from 1000 genomes (2012-04-30).

NM_007294.4(BRCA1):c.80+2612G>A

Gene: BRCA1 (BRCA1 DNA repair associated; minus strand). Cytogenetic location: 17q21.31.
Variant type: single nucleotide variant.
Coding change: c.80+2612G>A on transcript NM_007294.4 (MANE Select); 2612 bases into the intron after coding-DNA position 80, G replaced by A.
Molecular consequence: intron variant.
Genome position (GRCh38, 1-based): chr17:43,121,405, C>T on the plus strand (G>A on the coding strand, the complement: BRCA1 is on the minus strand). VCF-style: chr17-43121405-C-T. GRCh37 (hg19) VCF-style: chr17-41273422-C-T.
Other names: IVS 2+2612G>A; c.-61-5626G>A (NM_001408458.1); c.-219+3872G>A (NM_001407967.1); c.-170+3872G>A (NM_001407959.1); c.-8+3872G>A (NM_001407931.1, NM_001407747.1); c.-224+3872G>A (NM_001407962.1, NM_001408512.1, NM_001408510.1); c.-109+3872G>A (NM_001407885.1); c.-62+3872G>A (NM_001408470.1, NM_001407848.1, NM_001407839.1 and 6 more transcripts); and 23 more.
Identifiers: ClinVar variation 209563 (VCV000209563.2), dbSNP rs148068102, ClinGen allele CA276532.